The following is an entry in ClinVar:

NM_000059.4(BRCA2):c.2597A>T (p.Glu866Val)

Gene: BRCA2 (BRCA2 DNA repair associated; plus strand). Cytogenetic location: 13q13.1.
Variant type: single nucleotide variant.
Coding change: c.2597A>T on transcript NM_000059.4 (MANE Select); coding-DNA position 2597, A replaced by T.
Protein change: p.Glu866Val; replaces glutamic acid 866 with valine.
Molecular consequence: missense variant.
Genome position (GRCh38, 1-based): chr13:32,336,952, A>T. VCF-style: chr13-32336952-A-T. GRCh37 (hg19) VCF-style: chr13-32911089-A-T.
Other names: short protein forms E866V.
Identifiers: ClinVar variation 441461 (VCV000441461.14), dbSNP rs1555282752, ClinGen allele CA387772624.

ClinVar aggregate classification (germline): Conflicting classifications of pathogenicity. Review status: criteria provided, conflicting classifications (1 of 4 stars). 4 submissions from 4 submitters: Uncertain significance (3); Likely benign (1). Last evaluated 2025-12-01.

Conditions:
Hereditary cancer-predisposing syndrome. Also called: Hereditary Cancer Syndrome; Hereditary neoplastic syndrome; Neoplastic Syndromes, Hereditary; Tumor predisposition. Identifiers: Orphanet 140162, MedGen C0027672, MeSH D009386, MONDO:0015356.
Hereditary breast ovarian cancer syndrome. Also called: Hereditary breast and ovarian cancer; Breast and ovarian cancer; Hereditary breast and ovarian cancer syndrome; Hereditary breast and/or ovarian cancer syndrome; BRCA1- and BRCA2-Associated Hereditary Breast and Ovarian Cancer; Hereditary breast and ovarian cancer syndrome (HBOC). Identifiers: Orphanet 145, MedGen C0677776, MeSH D061325, MONDO:0003582. Disease mechanism: loss of function.

Allele frequency attached by ClinVar (database versions not stated): gnomAD exomes below 0.00001.
gnomAD v4.1: 1 of 1,585,720 alleles (0.000063%); highest among the groups gnomAD compares: South Asian, 0.0012%; no homozygotes.

Submissions (4):

Ambry Genetics
Classification: Uncertain significance for Hereditary cancer-predisposing syndrome. Last evaluated: 2025-12-01. Review status: criteria provided, single submitter. Criteria: Ambry Variant Classification Scheme 2023. Collection method: clinical testing. Allele origin: germline.
Comment: The p.E866V variant (also known as c.2597A>T), located in coding exon 10 of the BRCA2 gene, results from an A to T substitution at nucleotide position 2597. The glutamic acid at codon 866 is replaced by valine, an amino acid with dissimilar properties. This amino acid position is not well conserved in available vertebrate species. In addition, this alteration is predicted to be tolerated by in silico analysis. Based on the available evidence, the clinical significance of this variant remains unclear.

Labcorp Genetics (formerly Invitae), Labcorp
Classification: Uncertain significance for Hereditary breast ovarian cancer syndrome. Last evaluated: 2023-08-14. Review status: criteria provided, single submitter. Criteria: Invitae Variant Classification Sherloc (09022015). Collection method: clinical testing. Allele origin: germline.
Comment: In summary, the available evidence is currently insufficient to determine the role of this variant in disease. Therefore, it has been classified as a Variant of Uncertain Significance. Advanced modeling of protein sequence and biophysical properties (such as structural, functional, and spatial information, amino acid conservation, physicochemical variation, residue mobility, and thermodynamic stability) performed at Invitae indicates that this missense variant is not expected to disrupt BRCA2 protein function. ClinVar contains an entry for this variant (Variation ID: 441461). This variant has not been reported in the literature in individuals affected with BRCA2-related conditions. This variant is not present in population databases (gnomAD no frequency). This sequence change replaces glutamic acid, which is acidic and polar, with valine, which is neutral and non-polar, at codon 866 of the BRCA2 protein (p.Glu866Val).

University of Washington Department of Laboratory Medicine, University of Washington
Classification: Likely benign for Hereditary cancer-predisposing syndrome. Last evaluated: 2023-03-23. Review status: criteria provided, single submitter. Criteria: Dines et al. (Genet Med. 2020). Collection method: curation. Allele origin: germline.
Comment: Missense variant in a coldspot region where missense variants are very unlikely to be pathogenic (PMID:31911673).

BRCA2 exon 11 coldspot. Reclassification based on statistical prior probability.

Color Diagnostics, LLC DBA Color Health
Classification: Uncertain significance for Hereditary cancer-predisposing syndrome. Last evaluated: 2021-02-11. Review status: criteria provided, single submitter. Criteria: ACMG Guidelines, 2015. Collection method: clinical testing. Allele origin: germline.
Comment: This missense variant replaces glutamic acid with valine at codon 866 of the BRCA2 protein. Computational prediction suggests that this variant may not impact protein structure and function (internally defined REVEL score threshold <= 0.5, PMID: 27666373). To our knowledge, functional studies have not been reported for this variant. This variant has not been reported in individuals affected with hereditary cancer in the literature. This variant has not been identified in the general population by the Genome Aggregation Database (gnomAD). The available evidence is insufficient to determine the role of this variant in disease conclusively. Therefore, this variant is classified as a Variant of Uncertain Significance.